The following is an entry in ClinVar:

ClinVar aggregate classification (germline): Likely pathogenic. Review status: criteria provided, multiple submitters, no conflicts (2 of 4 stars). 2 submissions from 2 submitters: Likely pathogenic (2). Last evaluated 2025-06-27.

Conditions:
MOGS-related disorder. Also called: MOGS-related condition.
MOGS-congenital disorder of glycosylation. Also called: CDG 2B; CDG IIb; GLUCOSIDASE I DEFICIENCY; MOGS-CDG. Identifiers: Orphanet 79330, MedGen C1853736, MONDO:0011629, OMIM 606056.

gnomAD v4.1: 13 of 1,614,202 alleles (0.00081%); highest among the groups gnomAD compares: African/African-American, 0.0013%; no homozygotes.

Submissions (2):

PreventionGenetics, part of Exact Sciences
Classification: Likely pathogenic for MOGS-related condition. Last evaluated: 2025-06-27. Review status: criteria provided, single submitter. Criteria: ACMG Guidelines, 2015. Collection method: clinical testing. Allele origin: germline.
Comment: The MOGS c.2098C>T variant is predicted to result in premature protein termination (p.Arg700*). This variant was reported in the homozygous state in an individual with congenital disorder of glycosylation (Shimada et al. 2022. PubMed ID: 35790351). This variant is reported in 0.0065% of alleles in individuals of African descent in gnomAD. Nonsense variants in MOGS are expected to be pathogenic. This variant is interpreted as likely pathogenic.

Department of Pathology and Laboratory Medicine, Sinai Health System
Classification: Likely pathogenic for MOGS-congenital disorder of glycosylation. Last evaluated: 2023-09-08. Review status: criteria provided, single submitter. Criteria: ACMG Guidelines, 2015. Collection method: research. Allele origin: germline.

NM_006302.3(MOGS):c.2098C>T (p.Arg700Ter)

Gene: MOGS (mannosyl-oligosaccharide glucosidase; minus strand). Cytogenetic location: 2p13.1.
Variant type: single nucleotide variant.
Coding change: c.2098C>T on transcript NM_006302.3 (MANE Select); coding-DNA position 2098, C replaced by T.
Protein change: p.Arg700Ter; replaces arginine 700 with a stop codon.
Molecular consequence: nonsense.
Genome position (GRCh38, 1-based): chr2:74,461,691, G>A on the plus strand (C>T on the coding strand, the complement: MOGS is on the minus strand). VCF-style: chr2-74461691-G-A. GRCh37 (hg19) VCF-style: chr2-74688818-G-A.
Other names: c.2098C>T (NM_006302.2); c.1780C>T, p.Arg594Ter (NM_001146158.2); short protein forms R594*, R700*.
Identifiers: ClinVar variation 3779885 (VCV003779885.2).